The following is an entry in ClinVar:

ClinVar aggregate classification (germline): Benign/Likely benign. Review status: criteria provided, multiple submitters, no conflicts (2 of 4 stars). 3 submissions from 3 submitters: Benign (1); Likely benign (2). Last evaluated 2026-01-18.

Conditions:
Jeune thoracic dystrophy. Also called: Short-rib thoracic dysplasia; Jeune syndrome; Infantile thoracic dystrophy; Thoracic pelvic phalangeal dystrophy; Jeune's syndrome; Chondroectodermal dysplasia-like syndrome. Identifiers: Orphanet 474, MedGen C0265275, MONDO:0018770.
DYNC2H1-related disorder. Also called: DYNC2H1-related condition; DYNC2H1-related disorders. Identifiers: MedGen CN378770.

Allele frequency attached by ClinVar (database versions not stated): TOPMed 0.00002; gnomAD 0.00005; gnomAD exomes 0.00015; 1000 Genomes Project 30x 0.00031; 1000 Genomes Project 0.00040; ExAC 0.00107.
gnomAD v4.1: 231 of 1,567,154 alleles (0.015%); highest among the groups gnomAD compares: South Asian, 0.25%; 3 homozygotes.

Submissions (3):

Labcorp Genetics (formerly Invitae), Labcorp
Classification: Likely benign for Jeune thoracic dystrophy. Last evaluated: 2026-01-18. Review status: criteria provided, single submitter. Criteria: Invitae Variant Classification Sherloc (09022015). Collection method: clinical testing. Allele origin: germline.

PreventionGenetics, part of Exact Sciences
Classification: Likely benign for DYNC2H1-related condition. Last evaluated: 2025-03-04. Review status: criteria provided, single submitter. Criteria: ACMG Guidelines, 2015. Collection method: clinical testing. Allele origin: germline.
Comment: This variant is classified as likely benign based on ACMG/AMP sequence variant interpretation guidelines (Richards et al. 2015 PMID: 25741868, with internal and published modifications).

Blueprint Genetics
Classification: Benign. Last evaluated: 2024-05-23. Review status: criteria provided, single submitter. Criteria: ACMG Guidelines, 2015. Collection method: clinical testing. Allele origin: germline.

NM_001377.3(DYNC2H1):c.7709A>G (p.Asp2570Gly)

Gene: DYNC2H1 (dynein cytoplasmic 2 heavy chain 1; plus strand). Cytogenetic location: 11q22.3.
Variant type: single nucleotide variant.
Coding change: c.7709A>G on transcript NM_001377.3 (MANE Select); coding-DNA position 7709, A replaced by G.
Protein change: p.Asp2570Gly; replaces aspartic acid 2570 with glycine.
Molecular consequence: missense variant.
Genome position (GRCh38, 1-based): chr11:103,197,933, A>G. VCF-style: chr11-103197933-A-G. GRCh37 (hg19) VCF-style: chr11-103068662-A-G.
Other names: c.7709A>G, p.Asp2570Gly (NM_001080463.2); c.7709A>G (NM_001080463.1); short protein forms D2570G.
Identifiers: ClinVar variation 2897023 (VCV002897023.7), dbSNP rs530753341, ClinGen allele CA6254316.